The following is an entry in ClinVar:

NM_020338.4(ZMIZ1):c.1785G>A (p.Thr595=)

Gene: ZMIZ1 (zinc finger MIZ-type containing 1; plus strand). Cytogenetic location: 10q22.3.
Variant type: single nucleotide variant.
Coding change: c.1785G>A on transcript NM_020338.4 (MANE Select); coding-DNA position 1785, G replaced by A.
Protein change: p.Thr595=; no amino-acid change (threonine 595 retained).
Molecular consequence: synonymous variant.
Genome position (GRCh38, 1-based): chr10:79,299,168, G>A. VCF-style: chr10-79299168-G-A. GRCh37 (hg19) VCF-style: chr10-81058925-G-A.
Other names: c.1785G>A (NM_020338.3).
Identifiers: ClinVar variation 2104953 (VCV002104953.5), dbSNP rs139658854, ClinGen allele CA5572793.

ClinVar aggregate classification (germline): Benign/Likely benign. Review status: criteria provided, multiple submitters, no conflicts (2 of 4 stars). 2 submissions from 2 submitters: Benign (1); Likely benign (1). Last evaluated 2025-12-05.

Conditions:
ZMIZ1-related disorder. Also called: ZMIZ1-related condition.

Allele frequency attached by ClinVar (database versions not stated): gnomAD 0.00005; ESP Exome Variant Server 0.00008; TOPMed 0.00002; gnomAD exomes 0.00004; ExAC 0.00010.
gnomAD v4.1: 58 of 1,607,828 alleles (0.0036%); highest among the groups gnomAD compares: East Asian, 0.031%; 1 homozygote.

Submissions (2):

PreventionGenetics, part of Exact Sciences
Classification: Likely benign for ZMIZ1-related condition. Last evaluated: 2025-12-05. Review status: criteria provided, single submitter. Criteria: ACMG Guidelines, 2015. Collection method: clinical testing. Allele origin: germline.
Comment: This variant is classified as likely benign based on ACMG/AMP sequence variant interpretation guidelines (Richards et al. 2015 PMID: 25741868, with internal and published modifications).

Labcorp Genetics (formerly Invitae), Labcorp
Classification: Benign. Last evaluated: 2024-06-03. Review status: criteria provided, single submitter. Criteria: Invitae Variant Classification Sherloc (09022015). Collection method: clinical testing. Allele origin: germline.